The following is an entry in ClinVar:

ClinVar aggregate classification (germline): Uncertain significance (1 of 4 stars; one submission).

Conditions:
Charcot-Marie-Tooth disease type 2. Also called: Charcot-Marie-Tooth type 2. Identifiers: Orphanet 64746, MedGen C0270914, MONDO:0018993.

Allele frequency attached by ClinVar (database versions not stated): gnomAD exomes 0.00001; gnomAD 0.00001.
gnomAD v4.1: 11 of 1,613,910 alleles (0.00068%); highest among the groups gnomAD compares: African/African-American, 0.0013%; no homozygotes.

Submission:

Labcorp Genetics (formerly Invitae), Labcorp
Classification: Uncertain significance for Charcot-Marie-Tooth disease type 2. Last evaluated: 2024-09-11. Review status: criteria provided, single submitter. Criteria: Invitae Variant Classification Sherloc (09022015). Collection method: clinical testing. Allele origin: germline.
Comment: This sequence change replaces threonine, which is neutral and polar, with alanine, which is neutral and non-polar, at codon 318 of the AARS protein (p.Thr318Ala). This variant is present in population databases (no rsID available, gnomAD 0.01%). This variant has not been reported in the literature in individuals affected with AARS-related conditions. ClinVar contains an entry for this variant (Variation ID: 1682265). Invitae Evidence Modeling of protein sequence and biophysical properties (such as structural, functional, and spatial information, amino acid conservation, physicochemical variation, residue mobility, and thermodynamic stability) indicates that this missense variant is not expected to disrupt AARS protein function with a negative predictive value of 95%. In summary, the available evidence is currently insufficient to determine the role of this variant in disease. Therefore, it has been classified as a Variant of Uncertain Significance.

NM_001605.3(AARS1):c.952A>G (p.Thr318Ala)

Gene: AARS1 (alanyl-tRNA synthetase 1; minus strand). Cytogenetic location: 16q22.1.
Variant type: single nucleotide variant.
Coding change: c.952A>G on transcript NM_001605.3 (MANE Select); coding-DNA position 952, A replaced by G.
Protein change: p.Thr318Ala; replaces threonine 318 with alanine.
Molecular consequence: missense variant.
Genome position (GRCh38, 1-based): chr16:70,269,628, T>C on the plus strand (A>G on the coding strand, the complement: AARS1 is on the minus strand). VCF-style: chr16-70269628-T-C. GRCh37 (hg19) VCF-style: chr16-70303531-T-C.
Other names: short protein forms T318A.
Identifiers: ClinVar variation 1682265 (VCV001682265.6), dbSNP rs868291701, ClinGen allele CA283439954.
Genomic context (GRCh38, chr16:70,269,628, plus strand): 5'-TAGCACACGTGGTGCCGCTCCAAACACCACCCAGTGTGCAGCATACTTACCCACGCCCTG[T>C]GTTGTCAGGCCGGCCACCATCAGCCAGTGCCACAGTGATGGTCCGAGCGTGGTCAGCCAG-3'
Protein context (NP_001596.2, residues 308-328): ALADGGRPDN[Thr318Ala]GRGYVLRRIL